The following is an entry in ClinVar:

ClinVar aggregate classification (germline): Likely benign (1 of 4 stars; one submission).

Submission:

CeGaT Center for Human Genetics Tuebingen
Classification: Likely benign. Last evaluated: 2023-07-01. Review status: criteria provided, single submitter. Criteria: CeGaT Center For Human Genetics Tuebingen Variant Classification Criteria Version 2. Collection method: clinical testing. Allele origin: germline. Affected: yes. Observed: 1 variant allele.
Comment: TGFBR1: PM2:Supporting, BP4, BP7

NM_004612.4(TGFBR1):c.174C>G (p.Val58=)

Gene: TGFBR1 (transforming growth factor beta receptor 1; plus strand). Cytogenetic location: 9q22.33.
Variant type: single nucleotide variant.
Coding change: c.174C>G on transcript NM_004612.4 (MANE Select); coding-DNA position 174, C replaced by G.
Protein change: p.Val58=; no amino-acid change (valine 58 retained).
Molecular consequence: synonymous variant. On other transcripts: 5 prime UTR variant (15), non-coding transcript variant (4), intron variant (3).
Genome position (GRCh38, 1-based): chr9:99,128,931, C>G. VCF-style: chr9-99128931-C-G. GRCh37 (hg19) VCF-style: chr9-101891213-C-G.
Other names: c.174C>G, p.Val58= (NM_001130916.3, NM_001306210.2, NM_001407416.1 and 2 more transcripts); c.-34C>G (NM_001407418.1, NM_001407419.1, NM_001407420.1 and 12 more transcripts); c.98-3578C>G (NM_001407436.1); c.98-8928C>G (NM_001407438.1); c.98-13605C>G (NM_001407437.1).
Identifiers: ClinVar variation 2579067 (VCV002579067.25), dbSNP rs2490106022, ClinGen allele CA466648232.